The following is an entry in ClinVar:

ClinVar aggregate classification (germline): Uncertain significance. Review status: criteria provided, multiple submitters, no conflicts (2 of 4 stars). 2 submissions from 2 submitters: Uncertain significance (2). Last evaluated 2025-06-06.

Conditions:
Hereditary cancer-predisposing syndrome. Also called: Neoplastic Syndromes, Hereditary; Hereditary neoplastic syndrome; Tumor predisposition; Hereditary Cancer Syndrome. Identifiers: Orphanet 140162, MedGen C0027672, MeSH D009386, MONDO:0015356.
Tumor predisposition syndrome 3 (TPDS3). Also called: Melanoma, cutaneous malignant, susceptibility to, 10; Glioma susceptibility 9; LONG TELOMERE SYNDROME, POT1-RELATED; POT1 Tumor Predisposition. Identifiers: Orphanet 618, MedGen C4014476, MONDO:0014368, OMIM 615848.

Submissions (2):

Ambry Genetics
Classification: Uncertain significance for Hereditary cancer-predisposing syndrome. Last evaluated: 2025-06-06. Review status: criteria provided, single submitter. Criteria: Ambry Variant Classification Scheme 2023. Collection method: clinical testing. Allele origin: germline.
Comment: The c.1686+3A>C intronic variant results from an A to C substitution 3 nucleotides after coding exon 13 in the POT1 gene. This nucleotide position is well conserved in available vertebrate species. In silico splice site analysis predicts that this alteration will weaken the native splice donor site. Based on the available evidence, the clinical significance of this variant remains unclear.

Labcorp Genetics (formerly Invitae), Labcorp
Classification: Uncertain significance for Tumor predisposition syndrome 3. Last evaluated: 2022-11-06. Review status: criteria provided, single submitter. Criteria: Invitae Variant Classification Sherloc (09022015). Collection method: clinical testing. Allele origin: germline.
Comment: In summary, the available evidence is currently insufficient to determine the role of this variant in disease. Therefore, it has been classified as a Variant of Uncertain Significance. Variants that disrupt the consensus splice site are a relatively common cause of aberrant splicing (PMID: 17576681, 9536098). Algorithms developed to predict the effect of sequence changes on RNA splicing suggest that this variant may disrupt the consensus splice site. ClinVar contains an entry for this variant (Variation ID: 856442). This variant has not been reported in the literature in individuals affected with POT1-related conditions. This variant is not present in population databases (gnomAD no frequency). This sequence change falls in intron 17 of the POT1 gene. It does not directly change the encoded amino acid sequence of the POT1 protein. It affects a nucleotide within the consensus splice site.

Literature cited by the submitters: PubMed 17576681 (cited by Labcorp Genetics (formerly Invitae), Labcorp); PubMed 9536098 (cited by Labcorp Genetics (formerly Invitae), Labcorp).

NM_015450.3(POT1):c.1686+3A>C

Gene: POT1 (protection of telomeres 1; minus strand). Cytogenetic location: 7q31.33.
Variant type: single nucleotide variant.
Coding change: c.1686+3A>C on transcript NM_015450.3 (MANE Select); 3 bases into the intron after coding-DNA position 1686, A replaced by C.
Molecular consequence: intron variant.
Genome position (GRCh38, 1-based): chr7:124,827,211, T>G on the plus strand (A>C on the coding strand, the complement: POT1 is on the minus strand). VCF-style: chr7-124827211-T-G. GRCh37 (hg19) VCF-style: chr7-124467265-T-G.
Other names: c.1293+3A>C (NM_001042594.2).
Identifiers: ClinVar variation 856442 (VCV000856442.9), dbSNP rs1794651306, ClinGen allele CA916082952.